The following is an entry in ClinVar:

ClinVar aggregate classification (germline): Uncertain significance. Review status: criteria provided, multiple submitters, no conflicts (2 of 4 stars). 2 submissions from 2 submitters: Uncertain significance (2). Last evaluated 2025-06-02.

Conditions:
Hereditary pheochromocytoma and paraganglioma. Also called: Hereditary Paraganglioma-Pheochromocytoma Syndromes; Hereditary paragangliomas and pheochromocytomas; Hereditary pheochromocytoma-paraganglioma. Identifiers: Orphanet 29072, MedGen C4274332, MONDO:0017366.
Hereditary cancer-predisposing syndrome. Also called: Neoplastic Syndromes, Hereditary; Hereditary Cancer Syndrome; Tumor predisposition; Hereditary neoplastic syndrome. Identifiers: Orphanet 140162, MedGen C0027672, MeSH D009386, MONDO:0015356.

Allele frequency attached by ClinVar (database versions not stated): ExAC 0.00001; gnomAD 0.00001; gnomAD exomes 0.00001; TOPMed 0.00001.
gnomAD v4.1: 9 of 1,614,004 alleles (0.00056%); highest among the groups gnomAD compares: South Asian, 0.0055%; no homozygotes.

Submissions (2):

Labcorp Genetics (formerly Invitae), Labcorp
Classification: Uncertain significance for Hereditary pheochromocytoma and paraganglioma. Last evaluated: 2025-06-02. Review status: criteria provided, single submitter. Criteria: Invitae Variant Classification Sherloc (09022015). Collection method: clinical testing. Allele origin: germline.
Comment: This sequence change replaces alanine, which is neutral and non-polar, with threonine, which is neutral and polar, at codon 174 of the TMEM127 protein (p.Ala174Thr). This variant is present in population databases (rs753594901, gnomAD 0.01%). This variant has not been reported in the literature in individuals affected with TMEM127-related conditions. ClinVar contains an entry for this variant (Variation ID: 568645). An algorithm developed to predict the effect of missense changes on protein structure and function (PolyPhen-2) suggests that this variant is likely to be disruptive. In summary, the available evidence is currently insufficient to determine the role of this variant in disease. Therefore, it has been classified as a Variant of Uncertain Significance.

Ambry Genetics
Classification: Uncertain significance for Hereditary cancer-predisposing syndrome. Last evaluated: 2024-10-24. Review status: criteria provided, single submitter. Criteria: Ambry Variant Classification Scheme 2023. Collection method: clinical testing. Allele origin: germline.
Comment: The p.A174T variant (also known as c.520G>A), located in coding exon 3 of the TMEM127 gene, results from a G to A substitution at nucleotide position 520. The alanine at codon 174 is replaced by threonine, an amino acid with similar properties. This amino acid position is highly conserved in available vertebrate species. In addition, this alteration is predicted to be deleterious by in silico analysis. Since supporting evidence is limited at this time, the clinical significance of this alteration remains unclear.

NM_017849.4(TMEM127):c.520G>A (p.Ala174Thr)

Gene: TMEM127 (transmembrane protein 127; minus strand). Cytogenetic location: 2q11.2.
Variant type: single nucleotide variant.
Coding change: c.520G>A on transcript NM_017849.4 (MANE Select); coding-DNA position 520, G replaced by A.
Protein change: p.Ala174Thr; replaces alanine 174 with threonine.
Molecular consequence: missense variant.
Genome position (GRCh38, 1-based): chr2:96,254,005, C>T on the plus strand (G>A on the coding strand, the complement: TMEM127 is on the minus strand). VCF-style: chr2-96254005-C-T. GRCh37 (hg19) VCF-style: chr2-96919743-C-T.
Other names: c.520G>A, p.Ala174Thr (NM_001193304.3); short protein forms A174T.
Identifiers: ClinVar variation 568645 (VCV000568645.12), dbSNP rs753594901, ClinGen allele CA1777290.